The following is an entry in ClinVar:

NM_003737.4(DCHS1):c.4988C>T (p.Pro1663Leu)

Gene: DCHS1 (dachsous cadherin-related 1; minus strand). Cytogenetic location: 11p15.4.
Variant type: single nucleotide variant.
Coding change: c.4988C>T on transcript NM_003737.4 (MANE Select); coding-DNA position 4988, C replaced by T.
Protein change: p.Pro1663Leu; replaces proline 1663 with leucine.
Molecular consequence: missense variant.
Genome position (GRCh38, 1-based): chr11:6,629,719, G>A on the plus strand (C>T on the coding strand, the complement: DCHS1 is on the minus strand). VCF-style: chr11-6629719-G-A. GRCh37 (hg19) VCF-style: chr11-6650950-G-A.
Other names: short protein forms P1663L.
Identifiers: ClinVar variation 3011552 (VCV003011552.3), dbSNP rs1380299535, ClinGen allele CA379397994.

ClinVar aggregate classification (germline): Uncertain significance (1 of 4 stars; one submission).

Allele frequency attached by ClinVar (database versions not stated): gnomAD exomes below 0.00001; TOPMed 0.00001.
gnomAD v4.1: 3 of 1,613,902 alleles (0.00019%); highest among the groups gnomAD compares: East Asian, 0.0045%; no homozygotes.

Submission:

Labcorp Genetics (formerly Invitae), Labcorp
Classification: Uncertain significance. Last evaluated: 2024-09-30. Review status: criteria provided, single submitter. Criteria: Invitae Variant Classification Sherloc (09022015). Collection method: clinical testing. Allele origin: germline.
Comment: This sequence change replaces proline, which is neutral and non-polar, with leucine, which is neutral and non-polar, at codon 1663 of the DCHS1 protein (p.Pro1663Leu). This variant is present in population databases (no rsID available, gnomAD 0.006%). This variant has not been reported in the literature in individuals affected with DCHS1-related conditions. Invitae Evidence Modeling of protein sequence and biophysical properties (such as structural, functional, and spatial information, amino acid conservation, physicochemical variation, residue mobility, and thermodynamic stability) indicates that this missense variant is not expected to disrupt DCHS1 protein function with a negative predictive value of 80%. In summary, the available evidence is currently insufficient to determine the role of this variant in disease. Therefore, it has been classified as a Variant of Uncertain Significance.